The following is an entry in ClinVar:

ClinVar aggregate classification (germline): Likely benign (0 of 4 stars; one submission).

Conditions:
SHROOM2-related disorder. Also called: SHROOM2-related condition.

gnomAD v4.1: 70 of 1,209,749 alleles (0.0058%); highest among the groups gnomAD compares: African/African-American, 0.11%; no homozygotes.

Submission:

PreventionGenetics, part of Exact Sciences
Classification: Likely benign for SHROOM2-related condition. Last evaluated: 2024-08-15. Review status: no assertion criteria provided. Collection method: clinical testing. Allele origin: germline.
Comment: This variant is classified as likely benign based on ACMG/AMP sequence variant interpretation guidelines (Richards et al. 2015 PMID: 25741868, with internal and published modifications).

NM_001649.4(SHROOM2):c.3342C>T (p.Ser1114=)

Gene: SHROOM2 (shroom family member 2; plus strand). Cytogenetic location: Xp22.2.
Variant type: single nucleotide variant.
Coding change: c.3342C>T on transcript NM_001649.4 (MANE Select); coding-DNA position 3342, C replaced by T.
Protein change: p.Ser1114=; no amino-acid change (serine 1114 retained).
Molecular consequence: synonymous variant. On other transcripts: 5 prime UTR variant (2).
Genome position (GRCh38, 1-based): chrX:9,932,625, C>T. VCF-style: chrX-9932625-C-T. GRCh37 (hg19) VCF-style: chrX-9900665-C-T.
Other names: c.-154C>T (NM_001320663.2, NM_001320664.2).
Identifiers: ClinVar variation 3352162 (VCV003352162.1).